The following is an entry in ClinVar:

ClinVar aggregate classification (germline): Pathogenic/Likely pathogenic. Review status: criteria provided, multiple submitters, no conflicts (2 of 4 stars). 9 submissions from 9 submitters: Pathogenic (5); Likely pathogenic (3). 1 of the submissions does not count toward it. Last evaluated 2024-08-15.

Conditions:
Hereditary spastic paraplegia 30. Identifiers: Orphanet 101010, MedGen C5235139, MONDO:0012476.
Neuropathy, hereditary sensory, type 2C. Also called: KIF1A-Related HSAN2 (HSAN2C); Hereditary sensory and autonomic neuropathy type IIC. Identifiers: Orphanet 970, MedGen C3280168, MONDO:0013634, OMIM 614213.
Intellectual disability, autosomal dominant 9 (NESCAVS). Also called: NESCAV SYNDROME; KIF1A-Related Neurodevelopmental Disorder. Identifiers: Orphanet 662367, MedGen C5393830, MONDO:0013656, OMIM 614255.
Hereditary spastic paraplegia. Also called: Familial spastic paraparesis. Identifiers: Orphanet 685, MedGen C0037773, MONDO:0019064. Disease mechanism: loss of function.

Submissions (9):

Genome Diagnostics Laboratory, The Hospital for Sick Children
Classification: Likely pathogenic for Hereditary spastic paraplegia. Last evaluated: 2024-08-15. Review status: criteria provided, single submitter. Criteria: ACMG Guidelines, 2015. Collection method: clinical testing. Allele origin: germline. Affected: yes.
Comment: This missense variant results in a change from serine to tryptophan at amino acid position 274. It has been previously reported in individuals with KIF1A-related disorders (PMID: 33880452). Functional studies support that this variant impairs kinesin motor activity (PMID: 33880452). This variant has not been observed in population controls of the Genome Aggregation Database (gnomAD). In silico prediction programs predict this variant to impact protein function. Based on the evidence above, this variant is classified as pathogenic (PS3, PS2, PS4_M, PM2, PM1, PP3, PP5).

Labcorp Genetics (formerly Invitae), Labcorp
Classification: Pathogenic for Hereditary spastic paraplegia 30; Neuropathy, hereditary sensory, type 2C; Intellectual disability, autosomal dominant 9. Last evaluated: 2023-05-20. Review status: criteria provided, single submitter. Criteria: Invitae Variant Classification Sherloc (09022015). Collection method: clinical testing. Allele origin: germline.
Comment: For these reasons, this variant has been classified as Pathogenic. Advanced modeling of protein sequence and biophysical properties (such as structural, functional, and spatial information, amino acid conservation, physicochemical variation, residue mobility, and thermodynamic stability) performed at Invitae indicates that this missense variant is expected to disrupt KIF1A protein function. ClinVar contains an entry for this variant (Variation ID: 211298). This missense change has been observed in individual(s) with clinical features of autosomal dominant KIF1A-related conditions (PMID: 33880452; Invitae). In at least one individual the variant was observed to be de novo. This variant is not present in population databases (gnomAD no frequency). This sequence change replaces serine, which is neutral and polar, with leucine, which is neutral and non-polar, at codon 274 of the KIF1A protein (p.Ser274Leu).

Neurometabolic Diseases Laboratory, Bellvitge Biomedical Research Institute (IDIBELL)
Classification: Pathogenic for Spastic paraplegia 30A, autosomal dominant. Last evaluated: 2023-04-27. Review status: criteria provided, single submitter. Criteria: ACMG Guidelines, 2015. Collection method: research. Allele origin: germline. Affected: yes.

GeneDx
Classification: Pathogenic. Last evaluated: 2022-12-06. Review status: criteria provided, single submitter. Criteria: GeneDx Variant Classification Process June 2021. Collection method: clinical testing. Allele origin: germline. Affected: yes.
Comment: Published functional studies demonstrate impaired microtubule binding (Boyle L et al., 2021); Not observed at significant frequency in large population cohorts (gnomAD); This variant is associated with the following publications: (PMID: 33880452, 26125038, 21376300, 21820098)

Victorian Clinical Genetics Services, Murdoch Childrens Research Institute
Classification: Pathogenic for Hereditary spastic paraplegia 30. Last evaluated: 2022-09-02. Review status: criteria provided, single submitter. Criteria: ACMG Guidelines, 2015. Collection method: clinical testing. Allele origin: germline. Inheritance: Autosomal dominant inheritance. Affected: yes.
Comment: Based on the classification scheme VCGS_Germline_v1.1.1, this variant is classified as Pathogenic. Following criteria are met: 0103 - Both loss- and gain-of-function are known mechanisms of disease for this gene. Both loss and gain of function mechanisms have been reported for variants causing spastic paraplesia (PMID: 31488895, PMID: 31455732). However neuropathy has been reported to be caused by loss of function variants only (PMID: 22258533). (N) 0104 - Dominant negative is a mechanism of disease for this gene. Missense clustering within the kinesin domain have been shown to cause NESCAV syndrome due to a dominant negative disease mechanism (PMID: 28970574). (N) 0108 - This gene is known to be associated with both recessive and dominant disease. Missense variants and variants resulting in a premature termination codon have been reported to cause dominant and recessive disease. Missense variants found within the kinesin domain are likely to cause a dominant form of disease (PMID: 31488895, PMID: 31455732, PMID: 28970574). (N) 0200 - Variant is predicted to result in a missense amino acid change from serine to leucine (exon 9). (N) 0251 - Variant is heterozygous. (N) 0301 - Variant is absent from gnomAD. (P) 0501 - Missense variant consistently predicted to be damaging by multiple in silico tools or highly conserved with a major amino acid change. (P) 0603 - Missense variant in a region that is highly intolerant to missense variation (high constraint region) (kinesin domain; PDB, NCBI). (P) 0705 - No comparable variants have previous evidence for pathogenicity. (N) 0802 - Moderate previous evidence of pathogenicity in unrelated individuals. This variant has been report once as de novo in an individual with intellectual disability, and in another individual with a KIF1A-related condition (ClinVar, LOVD). It has also been reported in a severely affected individual with a dominant condition, however the exact phenotype of this individual is unclear (Conference poster; Boyle, (2019)). (P) 0905 - No segregation evidence has been identified for this variant. (N) 1007 - No published functional evidence has been identified for this variant. (P) Legend: (P) - Pathogenic, (N) - Neutral, (B) - Benign

Institute of Medical Genetics and Applied Genomics, University Hospital Tübingen
Classification: Likely pathogenic. Last evaluated: 2020-10-23. Review status: criteria provided, single submitter. Criteria: ACMG Guidelines, 2015. Collection method: clinical testing. Allele origin: germline. Inheritance: Autosomal dominant inheritance. Affected: yes.

Genetic Services Laboratory, University of Chicago
Classification: Likely pathogenic for Mental retardation, autosomal dominant 9. Last evaluated: 2015-10-23. Review status: criteria provided, single submitter. Criteria: ACMG Guidelines, 2015. Collection method: clinical testing. Allele origin: germline. Affected: yes.

Paris Brain Institute, Inserm - ICM
Classification: Pathogenic for Spastic paraplegia 30A, autosomal dominant. Review status: criteria provided, single submitter. Criteria: ACMG Guidelines, 2015. Collection method: clinical testing. Allele origin: unknown. Affected: yes. Observed: 1 variant allele.

Solve-RD Consortium
Classification: Likely pathogenic for Spastic paraplegia 30A, autosomal dominant. Last evaluated: 2022-06-01. Review status: no assertion criteria provided. Collection method: provider interpretation. Allele origin: inherited. Affected: yes. Not counted in ClinVar's aggregate classification.
Comment: Variant confirmed as disease-causing by referring clinical team

Variant identified during reanalysis of unsolved cases by the Solve-RD project. The Solve-RD project has received funding from the European Union’s Horizon 2020 research and innovation programme under grant agreement No 779257.

Literature cited by the submitters: PubMed 33880452 (cited by Labcorp Genetics (formerly Invitae), Labcorp); PubMed 22258533 (cited by Victorian Clinical Genetics Services, Murdoch Childrens Research Institute); PubMed 28970574 (cited by Victorian Clinical Genetics Services, Murdoch Childrens Research Institute); PubMed 31455732 (cited by Victorian Clinical Genetics Services, Murdoch Childrens Research Institute); PubMed 31488895 (cited by Victorian Clinical Genetics Services, Murdoch Childrens Research Institute); PubMed 39825153 (cited by Solve-RD Consortium).

NM_001244008.2(KIF1A):c.821C>T (p.Ser274Leu)

Gene: KIF1A (kinesin family member 1A; minus strand). Cytogenetic location: 2q37.3.
Variant type: single nucleotide variant.
Coding change: c.821C>T on transcript NM_001244008.2 (MANE Select); coding-DNA position 821, C replaced by T.
Protein change: p.Ser274Leu; replaces serine 274 with leucine.
Molecular consequence: missense variant.
Genome position (GRCh38, 1-based): chr2:240,783,087, G>A on the plus strand (C>T on the coding strand, the complement: KIF1A is on the minus strand). VCF-style: chr2-240783087-G-A. GRCh37 (hg19) VCF-style: chr2-241722504-G-A.
Other names: c.821C>T, p.Ser274Leu (NM_001320705.2, NM_001330289.2, NM_001330290.2 and 20 more transcripts); c.821C>T (NM_004321.7); short protein forms S274L.
Identifiers: ClinVar variation 211298 (VCV000211298.55), dbSNP rs797045655, ClinGen allele CA209610.